The following is an entry in ClinVar:

NM_001267550.2(TTN):c.43622C>T (p.Ser14541Leu)

Gene: TTN (titin; minus strand). Cytogenetic location: 2q31.2.
Variant type: single nucleotide variant.
Coding change: c.43622C>T on transcript NM_001267550.2 (MANE Select); coding-DNA position 43622, C replaced by T.
Protein change: p.Ser14541Leu; replaces serine 14541 with leucine.
Molecular consequence: missense variant.
Genome position (GRCh38, 1-based): chr2:178,632,272, G>A on the plus strand (C>T on the coding strand, the complement: TTN is on the minus strand). VCF-style: chr2-178632272-G-A. GRCh37 (hg19) VCF-style: chr2-179496999-G-A.
Other names: c.38699C>T, p.Ser12900Leu (NM_001256850.1); c.16427C>T, p.Ser5476Leu (NM_003319.4); c.35918C>T, p.Ser11973Leu (NM_133378.4); c.16802C>T, p.Ser5601Leu (NM_133432.3); c.17003C>T, p.Ser5668Leu (NM_133437.4); short protein forms S11973L, S12900L, S14541L, S5476L, S5601L, S5668L.
Identifiers: ClinVar variation 1327135 (VCV001327135.3), dbSNP rs768180052, ClinGen allele CA1995829.

ClinVar aggregate classification (germline): Uncertain significance. Review status: criteria provided, multiple submitters, no conflicts (2 of 4 stars). 2 submissions from 2 submitters: Uncertain significance (2). Last evaluated 2024-03-27.

Conditions:
SUDDEN INFANT DEATH SYNDROME (SIDS). Also called: Sudden Infant Death. Identifiers: MedGen C0038644, MeSH D013398, OMIM 272120.

Allele frequency attached by ClinVar (database versions not stated): TOPMed below 0.00001; gnomAD exomes 0.00001; ExAC 0.00002.
gnomAD v4.1: 8 of 1,609,680 alleles (0.0005%); highest among the groups gnomAD compares: Admixed American, 0.0034%; no homozygotes.

Submissions (2):

Revvity Omics, Revvity
Classification: Uncertain significance. Last evaluated: 2024-03-27. Review status: criteria provided, single submitter. Criteria: ACMG Guidelines, 2015. Collection method: clinical testing. Allele origin: germline.

Robert's Program, Boston Children's Hospital
Classification: Uncertain significance for SUDDEN INFANT DEATH SYNDROME. Last evaluated: 2021-10-01. Review status: criteria provided, single submitter. Criteria: ACMG Guidelines, 2015. Collection method: research. Allele origin: germline. Affected: yes.
Comment: We classify this variant as a variant of uncertain significance using ACMG/AMP criteria. As this variant is a deleterious splicing variant, we suspect this variant is favoring pathogenic.